The following is an entry in ClinVar:

ClinVar aggregate classification (somatic clinical impact): Tier II - Potential (1 of 4 stars; one submission).

Conditions:
Ovarian carcinoma. Identifiers: MedGen C4721610, MONDO:0005140, HP:0025318.

Submission:

Institute for Genomic Medicine (IGM) Clinical Laboratory, Nationwide Children's Hospital
Classification: Tier II - Potential for Ovarian carcinoma. Assertion type: diagnostic. Clinical significance: supports diagnosis. Last evaluated: 2024-11-20. Review status: criteria provided, single submitter. Criteria: AMP/ASCO/CAP Guidelines, 2017. Collection method: clinical testing. Allele origin: somatic. Affected: yes.
Comment: Variant has Tier II (potential) clinical significance as a diagnostic inclusion criterion in ovarian carcinoma, based on the following evidence: 1) Documented in one or more cancer databases (e.g., St. Jude Pecan, COSMIC, CIViC, OncoKB). 2) Information in the literature supports potential biologic effect of variant (PMID: 26732095). 3) Diagnostic significance based on multiple small studies (Evidence Level C; PMIDs: 19010816, 22930283, 26257827, 27141073, 32556513, 38768941).

Literature cited by the submitters: PubMed 26732095; PubMed 19010816; PubMed 22930283; PubMed 26257827; PubMed 27141073; PubMed 32556513; PubMed 38768941.

NM_004333.6(BRAF):c.1454_1460delinsATTC (p.Leu485_Val487delinsTyrSer)

Gene: BRAF (B-Raf proto-oncogene, serine/threonine kinase; minus strand). Cytogenetic location: 7q34.
Variant type: Indel.
Coding change: c.1454_1460delinsATTC on transcript NM_004333.6 (MANE Select); coding-DNA positions 1454 to 1460, TGAATGT replaced by ATTC.
Protein change: p.Leu485_Val487delinsTyrSer.
Molecular consequence: inframe indel.
Genome position (GRCh38, 1-based): chr7:140,778,048-140,778,054, ACATTCA replaced by GAAT on the plus strand (TGAATGT replaced by ATTC on the coding strand, the reverse complement: BRAF is on the minus strand). VCF-style: chr7-140778048-ACATTCA-GAAT. GRCh37 (hg19) VCF-style: chr7-140477848-ACATTCA-GAAT.
Other names: c.1454_1460delinsATTC, p.Leu485_Val487delinsTyrSer (NM_001378468.1, NM_001378474.1, NM_001354609.2); c.1388_1394delinsATTC, p.Leu463_Val465delinsTyrSer (NM_001378469.1); c.1352_1358delinsATTC, p.Leu451_Val453delinsTyrSer (NM_001378470.1); c.1343_1349delinsATTC, p.Leu448_Val450delinsTyrSer (NM_001378471.1); c.1298_1304delinsATTC, p.Leu433_Val435delinsTyrSer (NM_001378472.1, NM_001378473.1); c.1190_1196delinsATTC, p.Leu397_Val399delinsTyrSer (NM_001378475.1); c.1574_1580delinsATTC, p.Leu525_Val527delinsTyrSer (NM_001374244.1, NM_001374258.1); c.1463_1469delinsATTC, p.Leu488_Val490delinsTyrSer (NM_001378467.1).
Identifiers: ClinVar variation 4530174 (VCV004530174.1).